The following is an entry in ClinVar:

ClinVar aggregate classification (germline): Uncertain significance (1 of 4 stars; one submission).

Conditions:
Autosomal recessive distal spinal muscular atrophy 1. Also called: SEVERE INFANTILE AXONAL NEUROPATHY WITH RESPIRATORY FAILURE; SPINAL MUSCULAR ATROPHY, DIAPHRAGMATIC; HMN VI; NEURONOPATHY, SEVERE INFANTILE AXONAL, WITH RESPIRATORY FAILURE; NEURONOPATHY, DISTAL HEREDITARY MOTOR, HARDING TYPE VI; NEUROPATHY, DISTAL HEREDITARY MOTOR, AUTOSOMAL RECESSIVE 1. Identifiers: Orphanet 98920, MedGen C1858517, MONDO:0011436, OMIM 604320.
Charcot-Marie-Tooth disease axonal type 2S. Also called: CHARCOT-MARIE-TOOTH DISEASE, AXONAL, AUTOSOMAL RECESSIVE, TYPE 2S; CHARCOT-MARIE-TOOTH NEUROPATHY, TYPE 2S. Identifiers: Orphanet 443073, MedGen C4015349, MONDO:0014511, OMIM 616155.

gnomAD v4.1: 1 of 1,597,054 alleles (0.000063%); highest among the groups gnomAD compares: Non-Finnish European, 0.000085%; no homozygotes.

Submission:

Labcorp Genetics (formerly Invitae), Labcorp
Classification: Uncertain significance for Autosomal recessive distal spinal muscular atrophy 1; Charcot-Marie-Tooth disease axonal type 2S. Last evaluated: 2021-09-01. Review status: criteria provided, single submitter. Criteria: Invitae Variant Classification Sherloc (09022015). Collection method: clinical testing. Allele origin: germline.
Comment: This sequence change replaces glycine with arginine at codon 871 of the IGHMBP2 protein (p.Gly871Arg). The glycine residue is moderately conserved and there is a moderate physicochemical difference between glycine and arginine. This variant also falls at the last nucleotide of exon 13, which is part of the consensus splice site for this exon. This variant is not present in population databases (ExAC no frequency). This variant has not been reported in the literature in individuals affected with IGHMBP2-related conditions. Algorithms developed to predict the effect of missense changes on protein structure and function are either unavailable or do not agree on the potential impact of this missense change (SIFT: "Deleterious"; PolyPhen-2: "Probably Damaging"; Align-GVGD: "Class C0"). Variants that disrupt the consensus splice site are a relatively common cause of aberrant splicing (PMID: 17576681, 9536098). In summary, the available evidence is currently insufficient to determine the role of this variant in disease. Therefore, it has been classified as a Variant of Uncertain Significance.

Literature cited by the submitters: PubMed 17576681; PubMed 9536098.

NM_002180.3(IGHMBP2):c.2611G>A (p.Gly871Arg)

Gene: IGHMBP2 (immunoglobulin mu DNA binding protein 2; plus strand). Cytogenetic location: 11q13.3.
Variant type: single nucleotide variant.
Coding change: c.2611G>A on transcript NM_002180.3 (MANE Select); coding-DNA position 2611, G replaced by A.
Protein change: p.Gly871Arg; replaces glycine 871 with arginine.
Molecular consequence: missense variant.
Genome position (GRCh38, 1-based): chr11:68,937,091, G>A. VCF-style: chr11-68937091-G-A. GRCh37 (hg19) VCF-style: chr11-68704559-G-A.
Other names: short protein forms G871R.
Identifiers: ClinVar variation 1021596 (VCV001021596.6), dbSNP rs1859576991, ClinGen allele CA381654179.